The following is an entry in ClinVar:

ClinVar aggregate classification (germline): Uncertain significance. Review status: criteria provided, multiple submitters, no conflicts (2 of 4 stars). 2 submissions from 2 submitters: Uncertain significance (2). Last evaluated 2025-06-12.

Conditions:
C3 glomerulonephritis. Also called: Nephropathy due to CFHR5 Deficiency; C3 GLOMERULOPATHY 3. Identifiers: Orphanet 329931, MedGen C4055342, MONDO:0013892, OMIM 614809.

gnomAD v4.1: 8 of 1,613,636 alleles (0.0005%); highest among the groups gnomAD compares: African/African-American, 0.008%; no homozygotes.

Submissions (2):

Labcorp Genetics (formerly Invitae), Labcorp
Classification: Uncertain significance. Last evaluated: 2025-06-12. Review status: criteria provided, single submitter. Criteria: Invitae Variant Classification Sherloc (09022015). Collection method: clinical testing. Allele origin: germline.
Comment: This sequence change replaces glutamic acid, which is acidic and polar, with lysine, which is basic and polar, at codon 560 of the CFHR5 protein (p.Glu560Lys). This variant is present in population databases (rs779087611, gnomAD 0.007%). This variant has not been reported in the literature in individuals affected with CFHR5-related conditions. ClinVar contains an entry for this variant (Variation ID: 3576235). An algorithm developed to predict the effect of missense changes on protein structure and function (PolyPhen-2) suggests that this variant is likely to be disruptive. In summary, the available evidence is currently insufficient to determine the role of this variant in disease. Therefore, it has been classified as a Variant of Uncertain Significance.

Fulgent Genetics
Classification: Uncertain significance for C3 glomerulonephritis. Last evaluated: 2024-03-26. Review status: criteria provided, single submitter. Criteria: ACMG Guidelines, 2015. Collection method: clinical testing. Allele origin: germline.

NM_030787.4(CFHR5):c.1678G>A (p.Glu560Lys)

Gene: CFHR5 (complement factor H related 5; plus strand). Cytogenetic location: 1q31.3.
Variant type: single nucleotide variant.
Coding change: c.1678G>A on transcript NM_030787.4 (MANE Select); coding-DNA position 1678, G replaced by A.
Protein change: p.Glu560Lys; replaces glutamic acid 560 with lysine.
Molecular consequence: missense variant.
Genome position (GRCh38, 1-based): chr1:197,008,651, G>A. VCF-style: chr1-197008651-G-A. GRCh37 (hg19) VCF-style: chr1-196977781-G-A.
Other names: short protein forms E560K.
Identifiers: ClinVar variation 3576235 (VCV003576235.3).
Genomic context (GRCh38, chr1:197,008,651, plus strand): 5'-CAGTGTAAATTCCCACATAAAGCGATGATATCATCACCACCATTTCGAGCAATCTGTCAG[G>A]AAGGGAAATTTGAATATCCTATATGTGAATGAAGCAAGCATAATTTTCCTGAATATATTC-3'
Protein context (NP_110414.1, residues 550-569): SSPPFRAICQ[Glu560Lys]GKFEYPICE